The following is an entry in ClinVar:

NM_001378452.1(ITPR1):c.2887G>A (p.Gly963Ser)

Gene: ITPR1 (inositol 1,4,5-trisphosphate receptor type 1; plus strand). Cytogenetic location: 3p26.1.
Variant type: single nucleotide variant.
Coding change: c.2887G>A on transcript NM_001378452.1 (MANE Select); coding-DNA position 2887, G replaced by A.
Protein change: p.Gly963Ser; replaces glycine 963 with serine.
Molecular consequence: missense variant.
Genome position (GRCh38, 1-based): chr3:4,676,721, G>A. VCF-style: chr3-4676721-G-A. GRCh37 (hg19) VCF-style: chr3-4718405-G-A.
Other names: c.2860G>A, p.Gly954Ser (NM_001099952.4); c.2842G>A, p.Gly948Ser (NM_001168272.2); c.2815G>A, p.Gly939Ser (NM_002222.7); short protein forms G939S, G948S, G954S, G963S.
Identifiers: ClinVar variation 3731493 (VCV003731493.1).

ClinVar aggregate classification (germline): Uncertain significance (1 of 4 stars; one submission).

Conditions:
Spinocerebellar ataxia type 29 (SCA29). Also called: Spinocerebellar ataxia 29, congenital nonprogressive; CEREBELLAR ATAXIA, CONGENITAL NONPROGRESSIVE, AUTOSOMAL DOMINANT. Identifiers: Orphanet 208513, MedGen C1861732, MONDO:0007298, OMIM 117360.

Submission:

Neuberg Centre For Genomic Medicine, NCGM
Classification: Uncertain significance for Spinocerebellar ataxia type 29. Last evaluated: 2023-06-22. Review status: criteria provided, single submitter. Criteria: ACMG Guidelines, 2015. Collection method: clinical testing. Allele origin: germline. Inheritance: Autosomal dominant inheritance. Affected: yes.
Comment: The observed missense variant c.2887G>A(p.Gly963Ser) in ITPR1 gene has not been reported previously as a pathogenic variant nor as a benign variant, to our knowledge. This variant is absent in gnomAD Exomes. The amino acid Gly at position 963 is changed to a Ser changing protein sequence and it might alter its composition and physico-chemical properties. Computational evidence (Polyphen-Benign, SIFT-Tolerated and MutationTaster-disease causing) predicts conflicting evidence on protein structure and function for this variant.The reference amino acid p.Gly963Ser in ITPR1 is predicted as conserved by GERP++ and PhyloP across 100 vertebrates. For these reasons, this variant has been classified as Uncertain Significance.